The following is an entry in ClinVar:

ClinVar aggregate classification (germline): Conflicting classifications of pathogenicity. Review status: criteria provided, conflicting classifications (1 of 4 stars). 2 submissions from 2 submitters: Uncertain significance (1); Likely benign (1). Last evaluated 2022-11-26.

Conditions:
PKD1-related disorder. Also called: PKD1-related condition.
Polycystic kidney disease, adult type (PKD1). Also called: Polycystic Kidney Disease 1, Autosomal Dominant; Polycystic kidney disease 1; Polycystic kidney disease 1, severe; POLYCYSTIC KIDNEY DISEASE 1 WITH OR WITHOUT POLYCYSTIC LIVER DISEASE; POLYCYSTIC KIDNEY DISEASE, ADULT, TYPE I; Polycystic Kidney, Autosomal Dominant. Identifiers: MedGen C3149841, MONDO:0008263, OMIM 173900.

Allele frequency attached by ClinVar (database versions not stated): gnomAD 0.00001 and 0.00003; ExAC 0.00006.
gnomAD v4.1: 48 of 1,610,592 alleles (0.003%); highest among the groups gnomAD compares: South Asian, 0.051%; no homozygotes.

Submissions (2):

PreventionGenetics, part of Exact Sciences
Classification: Uncertain significance for PKD1-related condition. Last evaluated: 2022-11-26. Review status: criteria provided, single submitter. Criteria: ACMG Guidelines, 2015. Collection method: clinical testing. Allele origin: germline.
Comment: The PKD1 c.4122C>G variant is predicted to result in the amino acid substitution p.Ile1374Met. To our knowledge, this variant has not been reported in the literature. This variant is reported in 0.065% of alleles in individuals of South Asian descent in gnomAD. This variant is interpreted as likely benign.

Johns Hopkins Genomics, Johns Hopkins University
Classification: Likely benign for Polycystic kidney disease, adult type. Last evaluated: 2021-04-26. Review status: criteria provided, single submitter. Criteria: ACMG Guidelines, 2015. Collection method: clinical testing. Allele origin: germline.

NM_001009944.3(PKD1):c.4122C>G (p.Ile1374Met)

Gene: PKD1 (polycystin 1, transient receptor potential channel interacting; minus strand). Cytogenetic location: 16p13.3.
Variant type: single nucleotide variant.
Coding change: c.4122C>G on transcript NM_001009944.3 (MANE Select); coding-DNA position 4122, C replaced by G.
Protein change: p.Ile1374Met; replaces isoleucine 1374 with methionine.
Molecular consequence: missense variant.
Genome position (GRCh38, 1-based): chr16:2,111,045, G>C on the plus strand (C>G on the coding strand, the complement: PKD1 is on the minus strand). VCF-style: chr16-2111045-G-C. GRCh37 (hg19) VCF-style: chr16-2161046-G-C.
Other names: c.4122C>G, p.Ile1374Met (NM_000296.4); short protein forms I1374M.
Identifiers: ClinVar variation 1065575 (VCV001065575.2), dbSNP rs757456211, ClinGen allele CA7832486.
Genomic context (GRCh38, chr16:2,111,045, plus strand): 5'-GAGCTGCACAAACTGCCTCTCTGGCTGCAGGGTGACGTTGCCCACCTCTGGCTCCACGCA[G>C]ATGCTGGTGAAGTAATGCGCCCTGTTCACGCGGCTGGACAGCACCAGCGCCAGGGGGAAC-3'
Protein context (NP_001009944.3, residues 1364-1384): RVNRAHYFTS[Ile1374Met]CVEPEVGNVT